The following is an entry in ClinVar:

NM_000288.4(PEX7):c.370_396del (p.Gly124_Ser132del)

Gene: PEX7 (peroxisomal biogenesis factor 7; plus strand). Cytogenetic location: 6q23.3.
Variant type: Deletion.
Coding change: c.370_396del on transcript NM_000288.4 (MANE Select); coding-DNA positions 370 to 396, 27 bases deleted (GGTGAACAGCTTGTGGTGTCTGGCTCA).
Protein change: p.Gly124_Ser132del.
Molecular consequence: inframe deletion. On other transcripts: inframe indel (1).
Genome position (GRCh38, 1-based): chr6:136,845,645-136,845,671, GGTGAACAGCTTGTGGTGTCTGGCTCA deleted; deleting any 27 consecutive bases within chr6:136,845,644-136,845,671 gives the same sequence; the c. name uses the placement nearest the transcript's 3' end. VCF-style (leftmost placement, unchanged base first): chr6-136845643-GAGGTGAACAGCTTGTGGTGTCTGGCTC-G. GRCh37 (hg19) VCF-style: chr6-137166781-GAGGTGAACAGCTTGTGGTGTCTGGCTC-G.
Other names: c.256_282del27, p.Gly86_Ser94del (NM_001410945.1); c.370_396del27 (NM_000288.3).
Identifiers: ClinVar variation 2180404 (VCV002180404.5), dbSNP rs62653606, ClinGen allele CA4017584.

ClinVar aggregate classification (germline): Pathogenic/Likely pathogenic. Review status: criteria provided, multiple submitters, no conflicts (2 of 4 stars). 2 submissions from 2 submitters: Pathogenic (1); Likely pathogenic (1). Last evaluated 2025-08-27.

Conditions:
PEX7-related disorder. Also called: PEX7-related disorders; PEX7-related condition. Identifiers: MedGen CN239409.
Peroxisome biogenesis disorder 9B. Also called: PEX7-Related Refsum Disease; PEROXISOME BIOGENESIS DISORDER, PEX7-RELATED, ATYPICAL; Refsum disease, adult, 2. Identifiers: Orphanet 773, MedGen C2749346, MONDO:0013945, OMIM 614879.

Submissions (2):

PreventionGenetics, part of Exact Sciences
Classification: Likely pathogenic for PEX7-related condition. Last evaluated: 2025-08-27. Review status: criteria provided, single submitter. Criteria: ACMG Guidelines, 2015. Collection method: clinical testing. Allele origin: germline.
Comment: The PEX7 c.370_396del27 variant is predicted to result in an in-frame deletion (p.Gly124_Ser132del). This variant has been reported in individuals with rhizomelic chondrodysplasia punctata, type 1 (RCDP, Motley et al. 2002. PubMed ID: 11781871; Supplemental Table 2, Ashrafi et al. 2023. PubMed ID: 37597066). The first study observed this variant in five individuals and assumed homozygosity (Motley et al. 2002. PubMed ID: 11781871), while the second study observed this variant in one individual and confirmed homozygosity (Supplemental Table 2, Ashrafi et al. 2023. PubMed ID: 37597066). Functional analysis suggests the c.370_396del27 variant decreases PTS2-mediated peroxisomal protein import compared to wild type, but does not impact PEX7 protein expression levels (Motley et al. 2002. PubMed ID: 11781871). This variant is absent from gnomAD, indicating it is rare. This variant is interpreted as likely pathogenic.

Labcorp Genetics (formerly Invitae), Labcorp
Classification: Pathogenic for Peroxisome biogenesis disorder 9B. Last evaluated: 2023-08-04. Review status: criteria provided, single submitter. Criteria: Invitae Variant Classification Sherloc (09022015). Collection method: clinical testing. Allele origin: germline.
Comment: For these reasons, this variant has been classified as Pathogenic. Experimental studies are conflicting or provide insufficient evidence to determine the effect of this variant on PEX7 function (PMID: 11781871). Algorithms developed to predict the effect of variants on protein structure and function are not available or were not evaluated for this variant. ClinVar contains an entry for this variant (Variation ID: 2180404). This variant is also known as Del aa124-132. This variant has been observed in individual(s) with rhizomelic chondrodysplasia punctata (PMID: 11781871). This variant is not present in population databases (gnomAD no frequency). This variant, c.370_396del, results in the deletion of 9 amino acid(s) of the PEX7 protein (p.Gly124_Ser132del), but otherwise preserves the integrity of the reading frame.

Literature cited by the submitters: PubMed 11781871 (cited by Labcorp Genetics (formerly Invitae), Labcorp).